The following is an entry in ClinVar:

ClinVar aggregate classification (germline): Conflicting classifications of pathogenicity. Review status: criteria provided, conflicting classifications (1 of 4 stars). 2 submissions from 2 submitters: Uncertain significance (1); Likely benign (1). Last evaluated 2026-01-21.

Conditions:
Ehlers-Danlos syndrome, classic type, 1 (EDSCL1). Also called: EHLERS-DANLOS SYNDROME, GRAVIS TYPE; EHLERS-DANLOS SYNDROME, SEVERE CLASSIC TYPE; Ehlers-Danlos syndrome, type 1; Ehlers-Danlos Syndrome, Classic Type, COL5A1-Related; EDS I. Identifiers: MedGen C0268335, MONDO:0019567, OMIM 130000.
Familial thoracic aortic aneurysm and aortic dissection (TAAD). Also called: Thoracic aortic aneurysms and dissections. Identifiers: Orphanet 91387, MedGen C4707243, MONDO:0019625.

gnomAD v4.1: 2 of 1,614,184 alleles (0.00012%); highest among the groups gnomAD compares: Non-Finnish European, 0.00017%; no homozygotes.

Submissions (2):

Ambry Genetics
Classification: Uncertain significance for Familial thoracic aortic aneurysm and aortic dissection. Last evaluated: 2026-01-21. Review status: criteria provided, single submitter. Criteria: Ambry Variant Classification Scheme 2023. Collection method: clinical testing. Allele origin: germline.
Comment: The p.I1578M variant (also known as c.4734C>G), located in coding exon 62 of the COL5A1 gene, results from a C to G substitution at nucleotide position 4734. The isoleucine at codon 1578 is replaced by methionine, an amino acid with highly similar properties. This amino acid position is conserved. In addition, this alteration is predicted to be tolerated by in silico analysis. Based on the available evidence, the clinical significance of this variant remains unclear.

Labcorp Genetics (formerly Invitae), Labcorp
Classification: Likely benign for Ehlers-Danlos syndrome, classic type, 1. Last evaluated: 2023-03-16. Review status: criteria provided, single submitter. Criteria: Invitae Variant Classification Sherloc (09022015). Collection method: clinical testing. Allele origin: germline.

NM_000093.5(COL5A1):c.4734C>G (p.Ile1578Met)

Genes: COL5A1 (collagen type V alpha 1 chain; plus strand), LOC101448202 (uncharacterized LOC101448202; minus strand). Cytogenetic location: 9q34.3.
Variant type: single nucleotide variant.
Coding change: c.4734C>G on transcript NM_000093.5 (MANE Select); coding-DNA position 4734, C replaced by G.
Protein change: p.Ile1578Met; replaces isoleucine 1578 with methionine.
Molecular consequence: missense variant.
Genome position (GRCh38, 1-based): chr9:134,824,635, C>G. VCF-style: chr9-134824635-C-G. GRCh37 (hg19) VCF-style: chr9-137716481-C-G.
Other names: c.4734C>G (NM_000093.3); c.4734C>G, p.Ile1578Met (NM_001278074.1); short protein forms I1578M.
Identifiers: ClinVar variation 2836975 (VCV002836975.4), dbSNP rs1216320124, ClinGen allele CA375458340.